The following is an entry in ClinVar:

NM_015175.3(NBEAL2):c.4158C>T (p.Pro1386=)

Gene: NBEAL2 (neurobeachin like 2; plus strand). Cytogenetic location: 3p21.31.
Variant type: single nucleotide variant.
Coding change: c.4158C>T on transcript NM_015175.3 (MANE Select); coding-DNA position 4158, C replaced by T.
Protein change: p.Pro1386=; no amino-acid change (proline 1386 retained).
Molecular consequence: synonymous variant.
Genome position (GRCh38, 1-based): chr3:47,000,257, C>T. VCF-style: chr3-47000257-C-T. GRCh37 (hg19) VCF-style: chr3-47041747-C-T.
Other names: c.4056C>T, p.Pro1352= (NM_001365116.2).
Identifiers: ClinVar variation 3350802 (VCV003350802.2).

ClinVar aggregate classification (germline): Likely benign. Review status: criteria provided, single submitter (1 of 4 stars). 2 submissions from 2 submitters: Likely benign (1). 1 of the submissions does not count toward it. Last evaluated 2024-08-16.

Conditions:
NBEAL2-related disorder. Also called: NBEAL2-related condition.

gnomAD v4.1: 308 of 1,613,150 alleles (0.019%); highest among the groups gnomAD compares: Middle Eastern, 0.049%; 1 homozygote.

Submissions (2):

Blueprint Genetics
Classification: Likely benign. Last evaluated: 2024-08-16. Review status: criteria provided, single submitter. Criteria: ACMG Guidelines, 2015. Collection method: clinical testing. Allele origin: germline.

PreventionGenetics, part of Exact Sciences
Classification: Likely benign for NBEAL2-related condition. Last evaluated: 2024-05-22. Review status: no assertion criteria provided. Collection method: clinical testing. Allele origin: germline. Not counted in ClinVar's aggregate classification.
Comment: This variant is classified as likely benign based on ACMG/AMP sequence variant interpretation guidelines (Richards et al. 2015 PMID: 25741868, with internal and published modifications).